The following is an entry in ClinVar:

NM_000439.5(PCSK1):c.1449A>C (p.Gly483=)

Genes: CAST (calpastatin; plus strand), PCSK1 (proprotein convertase subtilisin/kexin type 1; minus strand), LOC101929710 (uncharacterized LOC101929710; plus strand). Cytogenetic location: 5q15.
Variant type: single nucleotide variant.
Coding change: c.1449A>C on transcript NM_000439.5 (MANE Select); coding-DNA position 1449, A replaced by C.
Protein change: p.Gly483=; no amino-acid change (glycine 483 retained).
Molecular consequence: synonymous variant. On other transcripts: intron variant (11).
Genome position (GRCh38, 1-based): chr5:96,399,018, T>G on the plus strand (A>C on the coding strand, the complement: PCSK1 is on the minus strand). VCF-style: chr5-96399018-T-G. GRCh37 (hg19) VCF-style: chr5-95734722-T-G.
Other names: c.1308A>C, p.Gly436= (NM_001177875.2); c.-175+19366T>G (NM_001423254.1, NM_001423259.1, NM_001423255.1 and 6 more transcripts); c.-103+19366T>G (NM_001423253.1); c.-40+19366T>G (NM_001423258.1).
Identifiers: ClinVar variation 3345252 (VCV003345252.1).

ClinVar aggregate classification (germline): Likely benign (0 of 4 stars; one submission).

Conditions:
PCSK1-related disorder. Also called: PCSK1-related condition.

Submission:

PreventionGenetics, part of Exact Sciences
Classification: Likely benign for PCSK1-related condition. Last evaluated: 2024-08-27. Review status: no assertion criteria provided. Collection method: clinical testing. Allele origin: germline.
Comment: This variant is classified as likely benign based on ACMG/AMP sequence variant interpretation guidelines (Richards et al. 2015 PMID: 25741868, with internal and published modifications).